The following is an entry in ClinVar:

NM_004006.3(DMD):c.10349G>A (p.Ser3450Asn)

Gene: DMD (dystrophin; minus strand). Cytogenetic location: Xp21.2.
Variant type: single nucleotide variant.
Coding change: c.10349G>A on transcript NM_004006.3 (MANE Select); coding-DNA position 10349, G replaced by A.
Protein change: p.Ser3450Asn; replaces serine 3450 with asparagine.
Molecular consequence: missense variant. On other transcripts: intron variant (2).
Genome position (GRCh38, 1-based): chrX:31,172,393, C>T on the plus strand (G>A on the coding strand, the complement: DMD is on the minus strand). VCF-style: chrX-31172393-C-T. GRCh37 (hg19) VCF-style: chrX-31190510-C-T.
Other names: c.10325G>A, p.Ser3442Asn (NM_000109.4); c.10337G>A, p.Ser3446Asn (NM_004009.3); c.9980G>A, p.Ser3327Asn (NM_004010.3); c.6326G>A, p.Ser2109Asn (NM_004011.4); c.6317G>A, p.Ser2106Asn (NM_004012.4); c.2969G>A, p.Ser990Asn (NM_004013.3, NM_004021.3); c.2162G>A, p.Ser721Asn (NM_004014.3); c.1145G>A, p.Ser382Asn (NM_004015.3, NM_004016.3); and 3 more; short protein forms S2106N, S2109N, S3327N, S3442N, S3446N, S3450N, S369N, S382N.
Identifiers: ClinVar variation 4800936 (VCV004800936.1).

ClinVar aggregate classification (germline): Uncertain significance (1 of 4 stars; one submission).

Conditions:
Duchenne muscular dystrophy (DMD). Also called: Duchenne Muscular Dystrophy (DMD); MUSCULAR DYSTROPHY, PSEUDOHYPERTROPHIC PROGRESSIVE, DUCHENNE TYPE. Identifiers: Orphanet 98896, MedGen C0013264, MONDO:0010679, OMIM 310200.

Submission:

Labcorp Genetics (formerly Invitae), Labcorp
Classification: Uncertain significance for Duchenne muscular dystrophy. Last evaluated: 2025-02-27. Review status: criteria provided, single submitter. Criteria: Invitae Variant Classification Sherloc (09022015). Collection method: clinical testing. Allele origin: germline.
Comment: This sequence change replaces serine, which is neutral and polar, with asparagine, which is neutral and polar, at codon 3450 of the DMD protein (p.Ser3450Asn). This variant is not present in population databases (gnomAD no frequency). This variant has not been reported in the literature in individuals affected with DMD-related conditions. Invitae Evidence Modeling of protein sequence and biophysical properties (such as structural, functional, and spatial information, amino acid conservation, physicochemical variation, residue mobility, and thermodynamic stability) indicates that this missense variant is not expected to disrupt DMD protein function with a negative predictive value of 95%. In summary, the available evidence is currently insufficient to determine the role of this variant in disease. Therefore, it has been classified as a Variant of Uncertain Significance.